The following is an entry in ClinVar:

NM_001167.4(XIAP):c.965A>G (p.Lys322Arg)

Gene: XIAP (X-linked inhibitor of apoptosis; plus strand). Cytogenetic location: Xq25.
Variant type: single nucleotide variant.
Coding change: c.965A>G on transcript NM_001167.4 (MANE Select); coding-DNA position 965, A replaced by G.
Protein change: p.Lys322Arg; replaces lysine 322 with arginine.
Molecular consequence: missense variant. On other transcripts: non-coding transcript variant (2).
Genome position (GRCh38, 1-based): chrX:123,888,706, A>G. VCF-style: chrX-123888706-A-G. GRCh37 (hg19) VCF-style: chrX-123022556-A-G.
Other names: c.965A>G, p.Lys322Arg (NM_001204401.2, NM_001378590.1, NM_001378591.1 and 1 more transcripts); short protein forms K322R.
Identifiers: ClinVar variation 2415019 (VCV002415019.6), dbSNP rs760683983, ClinGen allele CA10508082.

ClinVar aggregate classification (germline): Uncertain significance (1 of 4 stars; one submission).

Conditions:
X-linked lymphoproliferative disease due to XIAP deficiency. Also called: XIAP-Related Lymphoproliferative Disease, X-Linked; XIAP DEFICIENCY. Identifiers: Orphanet 2442, Orphanet 538934, MedGen C1845076, MONDO:0010385, OMIM 300635.

Allele frequency attached by ClinVar (database versions not stated): gnomAD exomes below 0.00001; ExAC 0.00001.
gnomAD v4.1: 2 of 1,208,718 alleles (0.00017%); highest among the groups gnomAD compares: East Asian, 0.003%; no homozygotes.

Submission:

Labcorp Genetics (formerly Invitae), Labcorp
Classification: Uncertain significance for X-linked lymphoproliferative disease due to XIAP deficiency. Last evaluated: 2022-03-15. Review status: criteria provided, single submitter. Criteria: Invitae Variant Classification Sherloc (09022015). Collection method: clinical testing. Allele origin: germline.
Comment: In summary, the available evidence is currently insufficient to determine the role of this variant in disease. Therefore, it has been classified as a Variant of Uncertain Significance. Algorithms developed to predict the effect of missense changes on protein structure and function are either unavailable or do not agree on the potential impact of this missense change (SIFT: "Not Available"; PolyPhen-2: "Benign"; Align-GVGD: "Not Available"). This variant has not been reported in the literature in individuals affected with XIAP-related conditions. This variant is present in population databases (rs760683983, gnomAD 0.008%). This sequence change replaces lysine, which is basic and polar, with arginine, which is basic and polar, at codon 322 of the XIAP protein (p.Lys322Arg).